The following is an entry in ClinVar:

NM_006231.4(POLE):c.2362G>A (p.Ala788Thr)

Gene: POLE (DNA polymerase epsilon, catalytic subunit; minus strand). Cytogenetic location: 12q24.33.
Variant type: single nucleotide variant.
Coding change: c.2362G>A on transcript NM_006231.4 (MANE Select); coding-DNA position 2362, G replaced by A.
Protein change: p.Ala788Thr; replaces alanine 788 with threonine.
Molecular consequence: missense variant.
Genome position (GRCh38, 1-based): chr12:132,665,408, C>T on the plus strand (G>A on the coding strand, the complement: POLE is on the minus strand). VCF-style: chr12-132665408-C-T. GRCh37 (hg19) VCF-style: chr12-133241994-C-T.
Other names: c.2362G>A (NM_006231.2); short protein forms A788T.
Identifiers: ClinVar variation 473524 (VCV000473524.54), dbSNP rs896350761, ClinGen allele CA246319343.

ClinVar aggregate classification (germline): Uncertain significance. Review status: criteria provided, multiple submitters, no conflicts (2 of 4 stars). 5 submissions from 5 submitters: Uncertain significance (5). Last evaluated 2026-06-29.

Conditions:
Hereditary cancer-predisposing syndrome. Also called: Hereditary neoplastic syndrome; Tumor predisposition; Neoplastic Syndromes, Hereditary; Hereditary Cancer Syndrome. Identifiers: Orphanet 140162, MedGen C0027672, MeSH D009386, MONDO:0015356.
Colorectal cancer, susceptibility to, 12 (CRCS12). Also called: COLORECTAL CANCER, SUSCEPTIBILITY TO, ON CHROMOSOME 12q24. Identifiers: Orphanet 220460, MedGen C3554460, MONDO:0014038, OMIM 615083.
Facial dysmorphism-immunodeficiency-livedo-short stature syndrome. Also called: FILS syndrome; Facial dysmorphism, immunodeficiency, livedo, and short stature. Identifiers: Orphanet 352712, MedGen C3554576, MONDO:0014058, OMIM 615139.

Allele frequency attached by ClinVar (database versions not stated): gnomAD exomes below 0.00001; gnomAD 0.00001; TOPMed 0.00003.
gnomAD v4.1: 4 of 1,613,166 alleles (0.00025%); highest among the groups gnomAD compares: East Asian, 0.0022%; no homozygotes.

Submissions (5):

GeneDx
Classification: Uncertain significance. Last evaluated: 2026-06-29. Review status: criteria provided, single submitter. Criteria: GeneDx Variant Classification Process June 2021. Collection method: clinical testing. Allele origin: germline.
Comment: Not observed at significant frequency in large population cohorts (gnomAD); In silico analysis supports that this missense variant has a deleterious effect on protein structure/function; Has not been previously published as pathogenic or benign to our knowledge; This variant is associated with the following publications: (PMID: 20951805)

Labcorp Genetics (formerly Invitae), Labcorp
Classification: Uncertain significance. Last evaluated: 2026-01-30. Review status: criteria provided, single submitter. Criteria: Invitae Variant Classification Sherloc (09022015). Collection method: clinical testing. Allele origin: germline.
Comment: This sequence change replaces alanine, which is neutral and non-polar, with threonine, which is neutral and polar, at codon 788 of the POLE protein (p.Ala788Thr). This variant is present in population databases (no rsID available, gnomAD 0.002%). This variant has not been reported in the literature in individuals affected with POLE-related conditions. ClinVar contains an entry for this variant (Variation ID: 473524). Invitae Evidence Modeling of protein sequence and biophysical properties (such as structural, functional, and spatial information, amino acid conservation, physicochemical variation, residue mobility, and thermodynamic stability) indicates that this missense variant is not expected to disrupt POLE protein function with a negative predictive value of 80%. In summary, the available evidence is currently insufficient to determine the role of this variant in disease. Therefore, it has been classified as a Variant of Uncertain Significance.

Ambry Genetics
Classification: Uncertain significance for Hereditary cancer-predisposing syndrome. Last evaluated: 2025-01-06. Review status: criteria provided, single submitter. Criteria: Ambry Variant Classification Scheme 2023. Collection method: clinical testing. Allele origin: germline.
Comment: The p.A788T variant (also known as c.2362G>A), located in coding exon 21 of the POLE gene, results from a G to A substitution at nucleotide position 2362. The alanine at codon 788 is replaced by threonine, an amino acid with similar properties. This amino acid position is highly conserved in available vertebrate species. In addition, this alteration is predicted to be tolerated by in silico analysis. Based on the available evidence, the clinical significance of this variant remains unclear.

CeGaT Center for Human Genetics Tuebingen
Classification: Uncertain significance. Last evaluated: 2019-03-01. Review status: criteria provided, single submitter. Criteria: CeGaT Center For Human Genetics Tuebingen Variant Classification Criteria Version 2. Collection method: clinical testing. Allele origin: germline. Affected: yes. Observed: 1 variant allele.

Fulgent Genetics
Classification: Uncertain significance for Colorectal cancer, susceptibility to, 12; Facial dysmorphism-immunodeficiency-livedo-short stature syndrome. Last evaluated: 2018-10-31. Review status: criteria provided, single submitter. Criteria: ACMG Guidelines, 2015. Collection method: clinical testing. Allele origin: unknown.